The following is an entry in ClinVar:

ClinVar aggregate classification (germline): Pathogenic (1 of 4 stars; one submission).

Conditions:
Familial melanoma. Also called: Hereditary melanoma; Hereditary cutaneous melanoma. Identifiers: Orphanet 618, MedGen C1512419, MONDO:0018961.

Submissions (4):

Labcorp Genetics (formerly Invitae), Labcorp
Classification: Pathogenic for Familial melanoma. Last evaluated: 2025-03-31. Review status: criteria provided, single submitter. Criteria: Invitae Variant Classification Sherloc (09022015). Collection method: clinical testing. Allele origin: germline.
Comment: This sequence change affects a donor splice site in intron 2 of the CDKN2A (p16INK4a) gene. RNA analysis indicates that disruption of this splice site induces altered splicing and may result in an absent or altered protein product. This variant is not present in population databases (gnomAD no frequency). Disruption of this splice site has been observed in individual(s) with melanoma and pancreatic cancer (PMID: 7987387, 15140239). This variant is also known as IVS2+1G>T. ClinVar contains an entry for this variant (Variation ID: 635367). Variants that disrupt the consensus splice site are a relatively common cause of aberrant splicing (PMID: 17576681, 9536098). Studies have shown that disruption of this splice site results in activation of a cryptic splice site, and produces a non-functional protein and/or introduces a premature termination codon (PMID: 1285398, 14508519). For these reasons, this variant has been classified as Pathogenic.

Dr. Peter K. Rogan Lab, Western University
No classification provided (evidence only). Condition: Squamous cell carcinoma of the head and neck. Review status: no classification provided. Collection method: in vitro. Allele origin: not applicable. Functional consequence: retained intron. Not counted in ClinVar's aggregate classification.

Dr. Peter K. Rogan Lab, Western University
No classification provided (evidence only). Condition: Squamous cell carcinoma of the head and neck. Review status: no classification provided. Collection method: in vitro. Allele origin: not applicable. Functional consequence: retained intron. Not counted in ClinVar's aggregate classification.

MutSpliceDB: a database of splice sites variants effects on splicing, NIH
No classification provided (evidence only). Review status: no classification provided. Collection method: in vitro. Allele origin: not applicable. Functional consequence: retained intron. Not counted in ClinVar's aggregate classification.

Literature cited by the submitters: PubMed 7987387 (cited by Labcorp Genetics (formerly Invitae), Labcorp); PubMed 15140239 (cited by Labcorp Genetics (formerly Invitae), Labcorp); PubMed 17576681 (cited by Labcorp Genetics (formerly Invitae), Labcorp); PubMed 9536098 (cited by Labcorp Genetics (formerly Invitae), Labcorp); PubMed 1285398 (cited by Labcorp Genetics (formerly Invitae), Labcorp); PubMed 14508519 (cited by Labcorp Genetics (formerly Invitae), Labcorp).

NM_000077.5(CDKN2A):c.457+1G>T

Gene: CDKN2A (cyclin dependent kinase inhibitor 2A; minus strand). Cytogenetic location: 9p21.3.
Variant type: single nucleotide variant.
Coding change: c.457+1G>T on transcript NM_000077.5 (MANE Select); the canonical splice donor site of the intron after coding-DNA position 457, G replaced by T.
Molecular consequence: splice donor variant.
Genome position (GRCh38, 1-based): chr9:21,970,901, C>A on the plus strand (G>T on the coding strand, the complement: CDKN2A is on the minus strand). VCF-style: chr9-21970901-C-A. GRCh37 (hg19) VCF-style: chr9-21970900-C-A.
Other names: c.304+1G>T (NM_001363763.2); c.*101+1G>T (NM_058195.4); c.457+1G>T (NM_001195132.2); c.*380+1G>T (NM_058197.5).
Identifiers: ClinVar variation 635367 (VCV000635367.13), dbSNP rs1587330312, ClinGen allele CA373085804.